The following is an entry in ClinVar:

ClinVar aggregate classification (germline): Likely benign. Review status: criteria provided, multiple submitters, no conflicts (2 of 4 stars). 5 submissions from 4 submitters: Likely benign (5). Last evaluated 2025-09-02.

Conditions:
RASopathy. Also called: Noonan spectrum disorder; rasopathies. Identifiers: Orphanet 536391, MedGen C5555857, MONDO:0021060.
Noonan syndrome 4 (NS4). Also called: SOS1-Related Noonan Syndrome; NOONAN SYNDROME WITH PIGMENTED VILLONODULAR SYNOVITIS. Identifiers: Orphanet 648, MedGen C1853120, MONDO:0012547, OMIM 610733.
Cardiovascular phenotype. Identifiers: MedGen CN230736.
Fibromatosis, gingival, 1 (GINGF1). Identifiers: Orphanet 2024, MedGen C4551558, MONDO:0007609, OMIM 135300.

Allele frequency attached by ClinVar (database versions not stated): TOPMed below 0.00001; gnomAD exomes 0.00002.
gnomAD v4.1: 22 of 1,602,870 alleles (0.0014%); highest among the groups gnomAD compares: East Asian, 0.034%; no homozygotes.

Submissions (5):

Labcorp Genetics (formerly Invitae), Labcorp
Classification: Likely benign for RASopathy. Last evaluated: 2025-09-02. Review status: criteria provided, single submitter. Criteria: Invitae Variant Classification Sherloc (09022015). Collection method: clinical testing. Allele origin: germline.

Ambry Genetics
Classification: Likely benign for Cardiovascular phenotype. Last evaluated: 2023-02-28. Review status: criteria provided, single submitter. Criteria: Ambry Variant Classification Scheme 2023. Collection method: clinical testing. Allele origin: germline.

GeneDx
Classification: Likely benign. Last evaluated: 2018-06-18. Review status: criteria provided, single submitter. Criteria: GeneDx Variant Classification (06012015). Collection method: clinical testing. Allele origin: germline. Affected: yes.
Comment: This variant is considered likely benign or benign based on one or more of the following criteria: it is a conservative change, it occurs at a poorly conserved position in the protein, it is predicted to be benign by multiple in silico algorithms, and/or has population frequency not consistent with disease.

Genome-Nilou Lab
Classification: Likely benign for Noonan syndrome 4. Review status: criteria provided, single submitter. Criteria: ACMG Guidelines, 2015. Collection method: clinical testing. Allele origin: germline.

Genome-Nilou Lab
Classification: Likely benign for Fibromatosis, gingival, 1. Review status: criteria provided, single submitter. Criteria: ACMG Guidelines, 2015. Collection method: clinical testing. Allele origin: germline.

NM_005633.4(SOS1):c.3384T>C (p.His1128=)

Gene: SOS1 (SOS Ras/Rac guanine nucleotide exchange factor 1; minus strand). Cytogenetic location: 2p22.1.
Variant type: single nucleotide variant.
Coding change: c.3384T>C on transcript NM_005633.4 (MANE Select); coding-DNA position 3384, T replaced by C.
Protein change: p.His1128=; no amino-acid change (histidine 1128 retained).
Molecular consequence: synonymous variant. On other transcripts: intron variant (1).
Genome position (GRCh38, 1-based): chr2:38,989,277, A>G on the plus strand (T>C on the coding strand, the complement: SOS1 is on the minus strand). VCF-style: chr2-38989277-A-G. GRCh37 (hg19) VCF-style: chr2-39216418-A-G.
Other names: c.3363T>C, p.His1121= (NM_001382394.1); c.3347-1686T>C (NM_001382395.1).
Identifiers: ClinVar variation 561458 (VCV000561458.11), dbSNP rs1412775460, ClinGen allele CA425721229.
Genomic context (GRCh38, chr2:38,989,277, plus strand): 5'-TTGATTTTTAAAGCCAAAGCAAGAATTATGAGTCTTAAACCAAATATACTAACTTGGGCC[A>G]TGGGGCAGAGTAACTTGGATAAAGACGGTATCATTGCCTGTGAAAGGAAACAAGAAAAAG-3'
Protein context (NP_005624.2, residues 1118-1138): DTVFIQVTLP[His1128=]GPRSASVSSI